The following is an entry in ClinVar:

ClinVar aggregate classification (germline): Benign. Review status: criteria provided, single submitter (1 of 4 stars). 2 submissions from 1 submitter: Benign (2). Last evaluated 2018-01-13.

Conditions:
Craniosynostosis 2 (CRS2). Also called: Warman-Mulliken-Hayward syndrome; Craniosynostosis Warman type; Craniosynostosis Boston type. Identifiers: Orphanet 1541, MedGen C1858160, MONDO:0011481, OMIM 604757.
Parietal foramina 1 (PFM1). Also called: FORAMINA PARIETALIA PERMAGNA; PARIETAL FORAMINA, SYMMETRIC. Identifiers: Orphanet 60015, MedGen C1868599, MONDO:0008197, OMIM 168500.

Allele frequency attached by ClinVar (database versions not stated): gnomAD 0.00206 and 0.00219; TOPMed 0.00245; 1000 Genomes Project 30x 0.00437; 1000 Genomes Project 0.00439.

Submissions (2):

Illumina Laboratory Services, Illumina
Classification: Benign for Parietal foramina 1. Last evaluated: 2018-01-13. Review status: criteria provided, single submitter. Criteria: ICSL Variant Classification Criteria 13 December 2019. Collection method: clinical testing. Allele origin: germline.
Comment: This variant was observed in the ICSL laboratory as part of a predisposition screen in an ostensibly healthy population. It had not been previously curated by ICSL or reported in the Human Gene Mutation Database (HGMD: prior to June 1st, 2018), and was therefore a candidate for classification through an automated scoring system. Utilizing variant allele frequency, disease prevalence and penetrance estimates, and inheritance mode, an automated score was calculated to assess if this variant is too frequent to cause the disease. Based on the score and internal cut-off values, a variant classified as benign is not then subjected to further curation. The score for this variant resulted in a classification of benign for this disease.

Illumina Laboratory Services, Illumina
Classification: Benign for Craniosynostosis 2. Last evaluated: 2018-01-13. Review status: criteria provided, single submitter. Criteria: ICSL Variant Classification Criteria 13 December 2019. Collection method: clinical testing. Allele origin: germline.
Comment: the same text as in the submission from Illumina Laboratory Services, Illumina above.

NM_002449.5(MSX2):c.*1249T>C

Gene: MSX2 (msh homeobox 2; plus strand). Cytogenetic location: 5q35.2.
Variant type: single nucleotide variant.
Coding change: c.*1249T>C on transcript NM_002449.5 (MANE Select); 1249 bases downstream of the stop codon, T replaced by C.
Molecular consequence: 3 prime UTR variant.
Genome position (GRCh38, 1-based): chr5:174,730,832, T>C. VCF-style: chr5-174730832-T-C. GRCh37 (hg19) VCF-style: chr5-174157835-T-C.
Other names: c.*1677T>C (NM_001363626.2).
Identifiers: ClinVar variation 352865 (VCV000352865.5), dbSNP rs139249455, ClinGen allele CA10624224.